The following is an entry in ClinVar:

NM_015512.5(DNAH1):c.6211C>A (p.Leu2071Ile)

Gene: DNAH1 (dynein axonemal heavy chain 1; plus strand). Cytogenetic location: 3p21.1.
Variant type: single nucleotide variant.
Coding change: c.6211C>A on transcript NM_015512.5 (MANE Select); coding-DNA position 6211, C replaced by A.
Protein change: p.Leu2071Ile; replaces leucine 2071 with isoleucine.
Molecular consequence: missense variant.
Genome position (GRCh38, 1-based): chr3:52,370,182, C>A. VCF-style: chr3-52370182-C-A. GRCh37 (hg19) VCF-style: chr3-52404198-C-A.
Other names: short protein forms L2071I.
Identifiers: ClinVar variation 3755917 (VCV003755917.2).

ClinVar aggregate classification (germline): Uncertain significance (1 of 4 stars; one submission).

Conditions:
Spermatogenic failure 18. Identifiers: MedGen C4539783, MONDO:0054615, OMIM 617576.
Ciliary dyskinesia, primary, 37 (CILD37). Also called: CILIARY DYSKINESIA, PRIMARY, 37, WITH OR WITHOUT SITUS INVERSUS. Identifiers: MedGen C4539798, MONDO:0033204, OMIM 617577.

Submission:

Labcorp Genetics (formerly Invitae), Labcorp
Classification: Uncertain significance for Ciliary dyskinesia, primary, 37; Spermatogenic failure 18. Last evaluated: 2024-04-17. Review status: criteria provided, single submitter. Criteria: Invitae Variant Classification Sherloc (09022015). Collection method: clinical testing. Allele origin: germline.
Comment: This sequence change replaces leucine, which is neutral and non-polar, with isoleucine, which is neutral and non-polar, at codon 2071 of the DNAH1 protein (p.Leu2071Ile). This variant is not present in population databases (gnomAD no frequency). This variant has not been reported in the literature in individuals affected with DNAH1-related conditions. An algorithm developed to predict the effect of missense changes on protein structure and function (PolyPhen-2) suggests that this variant is likely to be tolerated. This variant disrupts the p.Leu2071 amino acid residue in DNAH1. Other variant(s) that disrupt this residue have been determined to be pathogenic (PMID: 28577616, 34867808; Invitae). This suggests that this residue is clinically significant, and that variants that disrupt this residue are likely to be disease-causing. In summary, the available evidence is currently insufficient to determine the role of this variant in disease. Therefore, it has been classified as a Variant of Uncertain Significance.

Literature cited by the submitters: PubMed 28577616; PubMed 34867808.